The following is an entry in ClinVar:

ClinVar aggregate classification (germline): Benign. Review status: criteria provided, multiple submitters, no conflicts (2 of 4 stars). 9 submissions from 9 submitters: Benign (8). 1 of the submissions does not count toward it. Last evaluated 2026-02-04.

Conditions:
Nemaline myopathy 2 (NEM2). Also called: Nemaline myopathy 2, autosomal recessive. Identifiers: MedGen C1850569, MONDO:0009725, OMIM 256030.

Submissions (9):

Labcorp Genetics (formerly Invitae), Labcorp
Classification: Benign for Nemaline myopathy 2. Last evaluated: 2026-02-04. Review status: criteria provided, single submitter. Criteria: Invitae Variant Classification Sherloc (09022015). Collection method: clinical testing. Allele origin: germline.

Blueprint Genetics
Classification: Benign. Last evaluated: 2024-11-26. Review status: criteria provided, single submitter. Criteria: ACMG Guidelines, 2015. Collection method: clinical testing. Allele origin: germline.

Athena Diagnostics
Classification: Benign. Last evaluated: 2019-02-28. Review status: criteria provided, single submitter. Criteria: Athena Diagnostics Criteria. Collection method: clinical testing. Allele origin: germline.

Mayo Clinic Laboratories, Mayo Clinic
Classification: Benign. Last evaluated: 2017-11-15. Review status: criteria provided, single submitter. Criteria: ACMG Guidelines, 2015. Collection method: clinical testing. Allele origin: germline. Observed: 549 variant alleles.

Women's Health and Genetics/Laboratory Corporation of America, LabCorp
Classification: Benign. Last evaluated: 2017-02-27. Review status: criteria provided, single submitter. Criteria: LabCorp Variant Classification Summary - May 2015. Collection method: clinical testing. Allele origin: germline.
Comment: Variant summary: c.21523-6dupA in NEB gene is an intronic change that involves a mildly conserved nucleotide. 3/5 programs in Alamut predict that this variant does not have significant effect on the normal splicing pattern, however no functional studies supporting this notion were published at the time of evaluation. The variant is present in the control population dataset of ExAC at a frequency of 0.6045 (49666 /82164chrs tested), including numerous homozygotes across multiple populations. The observed frequency exceed the maximum expected allele frequency for a pathogenic variant of 0.0035. The variant of interest has not, to our knowledge, been reported in affected individuals in published reports but cited as Benign by reputable databases/clinical laboratories. Considering all, the variant was classified as Benign.

GeneDx
Classification: Benign. Last evaluated: 2016-02-03. Review status: criteria provided, single submitter. Criteria: GeneDx Variant Classification (06012015). Collection method: clinical testing. Allele origin: germline. Affected: yes.
Comment: This variant is considered likely benign or benign based on one or more of the following criteria: it is a conservative change, it occurs at a poorly conserved position in the protein, it is predicted to be benign by multiple in silico algorithms, and/or has population frequency not consistent with disease.

Eurofins Ntd Llc (ga)
Classification: Benign. Last evaluated: 2013-04-05. Review status: criteria provided, single submitter. Criteria: EGL Classification Definitions 2015. Collection method: clinical testing. Allele origin: germline. Observed: 2 variant alleles, 1 heterozygote, 1 homozygote.

PreventionGenetics, part of Exact Sciences
Classification: Benign. Review status: criteria provided, single submitter. Criteria: ACMG Guidelines, 2015. Collection method: clinical testing. Allele origin: germline.

Natera, Inc.
Classification: Benign for Nemaline myopathy type 2. Last evaluated: 2020-09-16. Review status: no assertion criteria provided. Collection method: clinical testing. Allele origin: germline. Not counted in ClinVar's aggregate classification.

NM_001164508.2(NEB):c.21418-6del

Genes: NEB (nebulin; minus strand), RIF1 (replication timing regulatory factor 1; plus strand). Cytogenetic location: 2q23.3.
Variant type: Deletion.
Coding change: c.21418-6del on transcript NM_001164508.2 (MANE Select); 6 bases into the intron before coding-DNA position 21418, one base deleted (A; older notation c.21418-6delA).
Molecular consequence: intron variant.
Genome position (GRCh38, 1-based): chr2:151,531,902, T deleted on the plus strand (A on the coding strand, the reverse complement: NEB is on the minus strand); the first of 2 consecutive T bases (chr2:151,531,902-151,531,903); deleting either gives the same sequence. VCF-style (leftmost placement, unchanged base first): chr2-151531901-AT-A. GRCh37 (hg19) VCF-style: chr2-152388415-AT-A.
Other names: p.?; c.16315-6delA (NM_004543.4); c.21523-6delA (NM_001271208.2, NM_001271208.1); c.16315-6del (NM_004543.5); c.21418-6del (NM_001164507.2); c.21523-6del (NM_001271208.2).
Identifiers: ClinVar variation 95112 (VCV000095112.25), dbSNP rs56026241, ClinGen allele CA148203.